The following is an entry in ClinVar:

ClinVar aggregate classification (germline): Uncertain significance (1 of 4 stars; one submission).

Conditions:
Developmental and epileptic encephalopathy, 31A. Also called: Developmental and epileptic encephalopathy, 31; Epileptic encephalopathy, early infantile, 31. Identifiers: Orphanet 2382, MedGen C4225357, MONDO:0014598, OMIM 616346.

Allele frequency attached by ClinVar (database versions not stated): ExAC 0.00001; gnomAD exomes below 0.00001.
gnomAD v4.1: 2 of 1,614,040 alleles (0.00012%); highest among the groups gnomAD compares: Non-Finnish European, 0.000085%; no homozygotes.

Submission:

Labcorp Genetics (formerly Invitae), Labcorp
Classification: Uncertain significance for Epileptic encephalopathy, early infantile, 31. Last evaluated: 2018-10-22. Review status: criteria provided, single submitter. Criteria: Invitae Variant Classification Sherloc (09022015). Collection method: clinical testing. Allele origin: germline.
Comment: This sequence change affects codon 134 of the DNM1 mRNA. It is a 'silent' change, meaning that it does not change the encoded amino acid sequence of the DNM1 protein. This variant is present in population databases (rs777767122, ExAC 0.002%). This variant has not been reported in the literature in individuals with DNM1-related disease. Algorithms developed to predict the effect of sequence changes on RNA splicing suggest that this variant may create or strengthen a splice site, but this prediction has not been confirmed by published transcriptional studies. In summary, the available evidence is currently insufficient to determine the role of this variant in disease. Therefore, it has been classified as a Variant of Uncertain Significance.

NM_004408.4(DNM1):c.402G>A (p.Leu134=)

Genes: DNM1 (dynamin 1; plus strand), LOC113839516 (Sharpr-MPRA regulatory region 8497; plus strand). Cytogenetic location: 9q34.11.
Variant type: single nucleotide variant.
Coding change: c.402G>A on transcript NM_004408.4 (MANE Select); coding-DNA position 402, G replaced by A.
Protein change: p.Leu134=; no amino-acid change (leucine 134 retained).
Molecular consequence: synonymous variant.
Genome position (GRCh38, 1-based): chr9:128,219,065, G>A. VCF-style: chr9-128219065-G-A. GRCh37 (hg19) VCF-style: chr9-130981344-G-A.
Other names: c.402G>A, p.Leu134= (NM_001005336.3, NM_001288737.2, NM_001288738.2 and 1 more transcripts).
Identifiers: ClinVar variation 663632 (VCV000663632.1), dbSNP rs777767122, ClinGen allele CA5257810.